The following is an entry in ClinVar:

ClinVar aggregate classification (germline): Uncertain significance (1 of 4 stars; one submission).

Conditions:
Hereditary factor XI deficiency disease. Also called: PLASMA THROMBOPLASTIN ANTECEDENT DEFICIENCY; PTA DEFICIENCY; ROSENTHAL SYNDROME; Congenital factor XI deficiency. Identifiers: Orphanet 329, MedGen C0015523, MeSH D005173, MONDO:0012897, OMIM 612416.

Submission:

Myriad Genetics, Inc.
Classification: Uncertain significance for Hereditary factor XI deficiency disease. Last evaluated: 2026-03-02. Review status: criteria provided, single submitter. Criteria: Myriad Autosomal Dominant, Autosomal Recessive and X-Linked Classification Criteria (2023). Collection method: clinical testing. Allele origin: unknown.
Comment: NM_000128.3(F11):c.1789_1794del6(E597_G598del) is an in-frame deletion classified as a variant of uncertain significance in the context of factor XI deficiency. E597_G598del has not been observed in cases with relevant disease. Relevant functional assessments of this variant are not available in the literature. E597_G598del has not been observed in referenced population frequency databases. In summary, there is insufficient evidence to classify NM_000128.3(F11):c.1789_1794del6(E597_G598del) as pathogenic or benign. Please note: this variant was assessed in the context of healthy population screening.

NM_000128.4(F11):c.1789_1794del (p.Glu597_Gly598del)

Genes: F11-AS1 (F11 antisense RNA 1; minus strand), F11 (coagulation factor XI; plus strand). Cytogenetic location: 4q35.2.
Variant type: Deletion.
Coding change: c.1789_1794del on transcript NM_000128.4 (MANE Select); coding-DNA positions 1789 to 1794, 6 bases deleted (GAAGGC; older notation c.1789_1794delGAAGGC).
Protein change: p.Glu597_Gly598del.
Molecular consequence: inframe deletion. On other transcripts: non-coding transcript variant (1).
Genome position (GRCh38, 1-based): chr4:186,288,525-186,288,530, GAAGGC deleted; deleting any 6 consecutive bases within chr4:186,288,522-186,288,530 gives the same sequence; the c. name uses the placement nearest the transcript's 3' end. VCF-style (leftmost placement, unchanged base first): chr4-186288521-GGGCGAA-G. GRCh37 (hg19) VCF-style: chr4-187209675-GGGCGAA-G.
Other names: c.1741_1746del, p.Glu581_Gly582del (NM_001440590.1); c.1693_1698del, p.Glu565_Gly566del (NM_001440593.1); c.1645_1650del, p.Glu549_Gly550del (NM_001440596.1); c.1519_1524del, p.Glu507_Gly508del (NM_001440605.1); c.1471_1476del, p.Glu491_Gly492del (NM_001440606.1); c.1423_1428del, p.Glu475_Gly476del (NM_001440607.1); c.1375_1380del, p.Glu459_Gly460del (NM_001440608.1).
Identifiers: ClinVar variation 5003836 (VCV005003836.1).